The following is an entry in ClinVar:

NM_006060.6(IKZF1):c.161-8430C>T

Gene: IKZF1 (IKAROS family zinc finger 1; plus strand). Cytogenetic location: 7p12.2.
Variant type: single nucleotide variant.
Coding change: c.161-8430C>T on transcript NM_006060.6 (MANE Select); 8430 bases into the intron before coding-DNA position 161, C replaced by T.
Molecular consequence: intron variant. On other transcripts: synonymous variant (1).
Genome position (GRCh38, 1-based): chr7:50,368,103, C>T. VCF-style: chr7-50368103-C-T. GRCh37 (hg19) VCF-style: chr7-50435801-C-T.
Other names: c.258C>T, p.Cys86= (NM_001291845.2); c.220+38C>T (NM_001410879.1, NM_001291846.2, NM_001291847.2); c.161-14437C>T (NM_001291839.2, NM_001291838.2, NM_001220767.2 and 1 more transcripts); c.161-8430C>T (NM_001220765.3, NM_001291837.2, NM_001220768.2 and 1 more transcripts); c.161-19242C>T (NM_001291841.1, NM_001291842.1); c.161-23626C>T (NM_001291843.1, NM_001291844.1); c.161-31815C>T (NM_001291840.1).
Identifiers: ClinVar variation 4874059 (VCV004874059.2).
Genomic context (GRCh38, chr7:50,368,103, plus strand): 5'-AATAATTCCCAAATCTTTCTCTCGTAAGTATATGCCTTGCTTCTGGAAAACAAAAGCATG[C>T]CTTCATCTCCTATCATGTAAATATCGTACGTGCATGTTCCTTCATCAACCCCCGAGATAC-3'

ClinVar aggregate classification (germline): Likely benign (1 of 4 stars; one submission).

Submission:

CeGaT Center for Human Genetics Tuebingen
Classification: Likely benign. Last evaluated: 2026-06-01. Review status: criteria provided, single submitter. Criteria: CeGaT Center For Human Genetics Tuebingen Variant Classification Criteria Version 2. Collection method: clinical testing. Allele origin: germline. Affected: yes. Observed: 1 variant allele.
Comment: IKZF1: BP4, BP7